The following is an entry in ClinVar:

NM_000277.3(PAH):c.843-5T>C

Genes: PAH (phenylalanine hydroxylase; minus strand), LOC126861615 (CDK7 strongly-dependent group 2 enhancer GRCh37_chr12:103244689-103245888; plus strand). Cytogenetic location: 12q23.2.
Variant type: single nucleotide variant.
Coding change: c.843-5T>C on transcript NM_000277.3 (MANE Select); 5 bases into the intron before coding-DNA position 843, T replaced by C.
Molecular consequence: intron variant.
Genome position (GRCh38, 1-based): chr12:102,851,761, A>G on the plus strand (T>C on the coding strand, the complement: PAH is on the minus strand). VCF-style: chr12-102851761-A-G. GRCh37 (hg19) VCF-style: chr12-103245539-A-G.
Other names: c.843-5T>C (NM_001354304.2).
Identifiers: ClinVar variation 984532 (VCV000984532.6), dbSNP rs1875163630, ClinGen allele CA16020875.

ClinVar aggregate classification (germline): Pathogenic. Review status: reviewed by expert panel (3 of 4 stars). 4 submissions from 4 submitters: Pathogenic (1). 3 of the submissions do not count toward it. Last evaluated 2020-09-12.

Conditions:
Phenylketonuria (PKU). Also called: Phenylketonurias; Phenylketonuria (PKU); FOLLING DISEASE; OLIGOPHRENIA PHENYLPYRUVICA. Identifiers: Orphanet 716, MedGen C0031485, MONDO:0009861, OMIM 261600. Disease mechanism: loss of function.

Submissions (4):

ClinGen PAH Variant Curation Expert Panel
Classification: Pathogenic for Phenylketonuria. Last evaluated: 2020-09-12. Review status: reviewed by expert panel. Criteria: ClinGen PAH ACMG Specifications v1. Collection method: curation. Allele origin: germline. Inheritance: Autosomal recessive inheritance.
Comment: The c.843-5T>C variant in PAH is absent from population databases (PM2). It has been observed in several classic PKU patients with BH4 deficiency excluded (PMID: 24048906 and PMID: 22526846; PP4). has been reported in at least 6 homozygous patients and 12 compound heterozygous patients harboring 7 additional Pathogenic/Likely Pathogenic variants (PMIDs: 31924462, 29892150, 30159852, 24048906, 22526846, PM3. In summary, this variant meets criteria to be classified as Pathogenic for PAH. PAH-specific ACMG/AMP criteria applied: PM2, PM3_VeryStrong, PP4_moderate.

Baylor Genetics
Classification: Pathogenic for Phenylketonuria. Last evaluated: 2023-11-07. Review status: criteria provided, single submitter. Criteria: ACMG Guidelines, 2015. Collection method: clinical testing. Allele origin: unknown. Not counted in ClinVar's aggregate classification.

Alibakhshi Medical Genetics Laboratory, Kermanshah University of Medical Sciences
Classification: Pathogenic for Phenylketonuria. Review status: criteria provided, single submitter. Criteria: Submitter's publication. Collection method: research. Allele origin: inherited. Inheritance: Autosomal recessive inheritance. Affected: yes. Observed: 1 compound heterozygote, 1 homozygote. Not counted in ClinVar's aggregate classification.
Comment: The c.843-5T>C (IVS7-5T>C) variant in PAH gene was first identified in Laki PKU patients living in Kermanshah Province, West Iran (Alibakhshi et al., 2013). Subsequently, it was reported by Shirzadeh et al. and Shaykholeslam-Esfahani et al., both studies performed in Iran (2019). This variant has not been observed in any of the 800 healthy Iranian individuals (1600 alleles) examined in the Iranome project. In addition, it was predicted as a disease causing variant based on Mutation Taster database. In summary, the c.843-5T>C variant meets our criteria to be classified as pathogenic based upon segregation studies and absence from controls.

Kariminejad - Najmabadi Pathology & Genetics Center
Classification: Pathogenic for Phenylketonuria. Review status: criteria provided, single submitter. Criteria: ACMG Guidelines, 2015. Collection method: clinical testing. Allele origin: germline. Affected: no. Not counted in ClinVar's aggregate classification.

Literature cited by the submitters: DOI 10.1007/s11011-013-9432-0 (cited by Alibakhshi Medical Genetics Laboratory, Kermanshah University of Medical Sciences).